The following is an entry in ClinVar:

NM_001267550.2(TTN):c.11311+2365G>A

Gene: TTN (titin; minus strand). Cytogenetic location: 2q31.2.
Variant type: single nucleotide variant.
Coding change: c.11311+2365G>A on transcript NM_001267550.2 (MANE Select); 2365 bases into the intron after coding-DNA position 11311, G replaced by A.
Molecular consequence: intron variant. On other transcripts: missense variant (1).
Genome position (GRCh38, 1-based): chr2:178,750,759, C>T on the plus strand (G>A on the coding strand, the complement: TTN is on the minus strand). VCF-style: chr2-178750759-C-T. GRCh37 (hg19) VCF-style: chr2-179615486-C-T.
Other names: c.11641G>A, p.Glu3881Lys (NM_133379.5); c.10222+2365G>A (NM_003319.4); c.10798+2365G>A (NM_133437.4); c.10597+2365G>A (NM_133432.3); c.10360+2365G>A (NM_133378.4, NM_001256850.1); short protein forms E3881K.
Identifiers: ClinVar variation 4979710 (VCV004979710.1).

ClinVar aggregate classification (germline): Uncertain significance (1 of 4 stars; one submission).

Conditions:
TTN-related disorder. Also called: TTN-related condition; TTN-related disease; TTN-related disorders.

gnomAD v4.1: 51 of 1,612,966 alleles (0.0032%); highest among the groups gnomAD compares: East Asian, 0.098%; no homozygotes.

Submission:

PreventionGenetics, part of Exact Sciences
Classification: Uncertain significance for TTN-related condition. Last evaluated: 2025-12-17. Review status: criteria provided, single submitter. Criteria: ACMG Guidelines, 2015. Collection method: clinical testing. Allele origin: germline.
Comment: The TTN c.11311+2365G>A variant is predicted to interfere with splicing. Of note, this variant is also referred to as c.11641G>A (p.Glu3881Lys), located in exon 46 of the alternative Novex-3 transcript NM_133379 (minor small cardiac isoform). This exon is not included in any other TTN transcripts (principle cardiac or skeletal muscle isoforms). To our knowledge, this variant has not been reported in the literature. This variant is reported in 0.022% of alleles in individuals of East Asian descent in gnomAD. At this time, the clinical significance of this variant is uncertain due to the absence of conclusive functional and genetic evidence.